The following is an entry in ClinVar:

NC_000015.9:g.(?_48788277)_(48936966_?)del

Gene: FBN1 (fibrillin 1; minus strand). Cytogenetic location: 15q21.1.
Variant type: Deletion.
Identifiers: ClinVar variation 3243720 (VCV003243720.1).

ClinVar aggregate classification (germline): Pathogenic (1 of 4 stars; one submission).

Conditions:
Marfan syndrome (MFS). Also called: MARFAN SYNDROME, TYPE I; Marfan syndrome type 1; Marfan's syndrome; Marfan syndrome, classic; FBN1-Related Marfan Syndrome. Identifiers: Orphanet 284963, Orphanet 558, MedGen C0024796, MONDO:0007947, OMIM 154700.
Familial thoracic aortic aneurysm and aortic dissection (TAAD). Also called: Thoracic aortic aneurysms and dissections. Identifiers: Orphanet 91387, MedGen C4707243, MONDO:0019625.

Submission:

Labcorp Genetics (formerly Invitae), Labcorp
Classification: Pathogenic for Marfan syndrome; Familial thoracic aortic aneurysm and aortic dissection. Last evaluated: 2022-12-08. Review status: criteria provided, single submitter. Criteria: Invitae Variant Classification Sherloc (09022015). Collection method: clinical testing. Allele origin: unknown.
Comment: This variant has not been reported in the literature in individuals affected with FBN1-related conditions. For these reasons, this variant has been classified as Pathogenic. This variant is a gross deletion of the genomic region encompassing exon(s) 2-20 of the FBN1 gene, which includes the initiator codon. This deletion extends beyond the assayed region for this gene and therefore may encompass additional genes. It is expected to result in an absent or disrupted protein product. Loss-of-function variants in FBN1 are known to be pathogenic (PMID: 17657824, 19293843).

Literature cited by the submitters: PubMed 17657824; PubMed 19293843.